The following is an entry in ClinVar:

NM_001170700.3(DTHD1):c.1346C>A (p.Ser449Tyr)

Gene: DTHD1 (death domain containing 1; plus strand). Cytogenetic location: 4p14.
Variant type: single nucleotide variant.
Coding change: c.1346C>A on transcript NM_001170700.3 (MANE Select); coding-DNA position 1346, C replaced by A.
Protein change: p.Ser449Tyr; replaces serine 449 with tyrosine.
Molecular consequence: missense variant. On other transcripts: non-coding transcript variant (2).
Genome position (GRCh38, 1-based): chr4:36,293,653, C>A. VCF-style: chr4-36293653-C-A. GRCh37 (hg19) VCF-style: chr4-36295275-C-A.
Other names: c.971C>A (NM_001170700.1); c.476C>A, p.Ser159Tyr (NM_001136536.5); c.413C>A, p.Ser138Tyr (NM_001378435.1); short protein forms S138Y, S159Y, S449Y.
Identifiers: ClinVar variation 2415039 (VCV002415039.6), dbSNP rs542623785, ClinGen allele CA356679596.

ClinVar aggregate classification (germline): Uncertain significance. Review status: criteria provided, multiple submitters, no conflicts (2 of 4 stars). 2 submissions from 2 submitters: Uncertain significance (2). Last evaluated 2025-05-16.

gnomAD v4.1: 62 of 1,542,686 alleles (0.004%); highest among the groups gnomAD compares: Non-Finnish European, 0.0052%; no homozygotes.

Submissions (2):

Ambry Genetics
Classification: Uncertain significance. Last evaluated: 2025-05-16. Review status: criteria provided, single submitter. Criteria: Ambry Variant Classification Scheme 2023. Collection method: clinical testing. Allele origin: germline.

Labcorp Genetics (formerly Invitae), Labcorp
Classification: Uncertain significance. Last evaluated: 2023-05-08. Review status: criteria provided, single submitter. Criteria: Invitae Variant Classification Sherloc (09022015). Collection method: clinical testing. Allele origin: germline.
Comment: In summary, the available evidence is currently insufficient to determine the role of this variant in disease. Therefore, it has been classified as a Variant of Uncertain Significance. An algorithm developed to predict the effect of missense changes on protein structure and function (PolyPhen-2) suggests that this variant is likely to be disruptive. ClinVar contains an entry for this variant (Variation ID: 2415039). This variant has not been reported in the literature in individuals affected with DTHD1-related conditions. This variant is present in population databases (no rsID available, gnomAD 0.008%). This sequence change replaces serine, which is neutral and polar, with tyrosine, which is neutral and polar, at codon 159 of the DTHD1 protein (p.Ser159Tyr).